The following is an entry in ClinVar:

ClinVar aggregate classification (germline): Benign. Review status: criteria provided, multiple submitters, no conflicts (2 of 4 stars). 3 submissions from 3 submitters: Benign (2). 1 of the submissions does not count toward it. Last evaluated 2019-12-31.

Conditions:
CASP9-related disorder. Also called: CASP9-related condition.

Allele frequency attached by ClinVar (database versions not stated): ExAC 0.00338; gnomAD exomes 0.00357 and 0.00663; 1000 Genomes Project 0.00359; 1000 Genomes Project 30x 0.00375; gnomAD 0.00463 and 0.00465; ESP Exome Variant Server 0.00500; TOPMed 0.00533.
gnomAD v4.1: 10,455 of 1,610,982 alleles (0.65%); highest among the groups gnomAD compares: Non-Finnish European, 0.8%; 63 homozygotes.

Submissions (3):

Labcorp Genetics (formerly Invitae), Labcorp
Classification: Benign. Last evaluated: 2019-12-31. Review status: criteria provided, single submitter. Criteria: Invitae Variant Classification Sherloc (09022015). Collection method: clinical testing. Allele origin: germline.

Breakthrough Genomics
Classification: Benign. Review status: criteria provided, single submitter. Criteria: ACMG Guidelines, 2015. Collection method: not provided. Allele origin: germline. Inheritance: Unknown mechanism. Affected: yes.

PreventionGenetics, part of Exact Sciences
Classification: Likely benign for CASP9-related condition. Last evaluated: 2019-04-09. Review status: no assertion criteria provided. Collection method: clinical testing. Allele origin: germline. Not counted in ClinVar's aggregate classification.
Comment: This variant is classified as likely benign based on ACMG/AMP sequence variant interpretation guidelines (Richards et al. 2015 PMID: 25741868, with internal and published modifications).

NM_001229.5(CASP9):c.720+9C>T

Gene: CASP9 (caspase 9; minus strand). Cytogenetic location: 1p36.21.
Variant type: single nucleotide variant.
Coding change: c.720+9C>T on transcript NM_001229.5 (MANE Select); 9 bases into the intron after coding-DNA position 720, C replaced by T.
Molecular consequence: intron variant.
Genome position (GRCh38, 1-based): chr1:15,505,981, G>A on the plus strand (C>T on the coding strand, the complement: CASP9 is on the minus strand). VCF-style: chr1-15505981-G-A. GRCh37 (hg19) VCF-style: chr1-15832476-G-A.
Other names: c.471+9C>T (NM_032996.3); c.419-10529C>T (NM_001278054.2).
Identifiers: ClinVar variation 777920 (VCV000777920.7), dbSNP rs2308936, ClinGen allele CA614484.